The following is an entry in ClinVar:

NM_004208.4(AIFM1):c.1688G>C (p.Gly563Ala)

Genes: AIFM1 (apoptosis inducing factor mitochondria associated 1; minus strand), RAB33A (RAB33A, member RAS oncogene family; plus strand). Cytogenetic location: Xq26.1.
Variant type: single nucleotide variant.
Coding change: c.1688G>C on transcript NM_004208.4 (MANE Select); coding-DNA position 1688, G replaced by C.
Protein change: p.Gly563Ala; replaces glycine 563 with alanine.
Molecular consequence: missense variant. On other transcripts: 3 prime UTR variant (1), non-coding transcript variant (1).
Genome position (GRCh38, 1-based): chrX:130,130,052, C>G on the plus strand (G>C on the coding strand, the complement: AIFM1 is on the minus strand). VCF-style: chrX-130130052-C-G. GRCh37 (hg19) VCF-style: chrX-129264027-C-G.
Other names: c.671G>C, p.Gly224Ala (NM_001130846.4); c.*916G>C (NM_001130847.4); c.1676G>C, p.Gly559Ala (NM_145812.3); c.1688G>C (NM_004208.3); short protein forms G224A, G559A, G563A.
Identifiers: ClinVar variation 2941138 (VCV002941138.4), dbSNP rs2523099561, ClinGen allele CA414568264.

ClinVar aggregate classification (germline): Uncertain significance. Review status: criteria provided, multiple submitters, no conflicts (2 of 4 stars). 2 submissions from 2 submitters: Uncertain significance (2). Last evaluated 2024-02-12.

Conditions:
Combined oxidative phosphorylation deficiency. Identifiers: MedGen C4540031, MONDO:0000732.
Charcot-Marie-Tooth Neuropathy X. Identifiers: MedGen CN118851.
Inborn genetic diseases. Identifiers: MedGen C0950123, MeSH D030342.

Submissions (2):

Ambry Genetics
Classification: Uncertain significance for Inborn genetic diseases. Last evaluated: 2024-02-12. Review status: criteria provided, single submitter. Criteria: Ambry Variant Classification Scheme 2023. Collection method: clinical testing. Allele origin: germline.
Comment: The c.1688G>C (p.G563A) alteration is located in exon 15 (coding exon 15) of the AIFM1 gene. This alteration results from a G to C substitution at nucleotide position 1688, causing the glycine (G) at amino acid position 563 to be replaced by an alanine (A). This variant was not reported in population-based cohorts in the Genome Aggregation Database (gnomAD). This amino acid position is highly conserved in available vertebrate species. This alteration is predicted to be deleterious by in silico analysis. Based on insufficient or conflicting evidence, the clinical significance of this alteration remains unclear.

Labcorp Genetics (formerly Invitae), Labcorp
Classification: Uncertain significance for Charcot-Marie-Tooth Neuropathy X; Combined oxidative phosphorylation deficiency. Last evaluated: 2022-10-30. Review status: criteria provided, single submitter. Criteria: Invitae Variant Classification Sherloc (09022015). Collection method: clinical testing. Allele origin: germline.
Comment: This variant is not present in population databases (gnomAD no frequency). In summary, the available evidence is currently insufficient to determine the role of this variant in disease. Therefore, it has been classified as a Variant of Uncertain Significance. Advanced modeling of protein sequence and biophysical properties (such as structural, functional, and spatial information, amino acid conservation, physicochemical variation, residue mobility, and thermodynamic stability) has been performed at Invitae for this missense variant, however the output from this modeling did not meet the statistical confidence thresholds required to predict the impact of this variant on AIFM1 protein function. This variant has not been reported in the literature in individuals affected with AIFM1-related conditions. This sequence change replaces glycine, which is neutral and non-polar, with alanine, which is neutral and non-polar, at codon 563 of the AIFM1 protein (p.Gly563Ala).